The following is an entry in ClinVar:

NM_001367624.2(ZNF469):c.10067T>G (p.Leu3356Arg)

Genes: ZNF469 (zinc finger protein 469; plus strand), LOC130059719 (ATAC-STARR-seq lymphoblastoid silent region 7848; plus strand). Cytogenetic location: 16q24.2.
Variant type: single nucleotide variant.
Coding change: c.10067T>G on transcript NM_001367624.2 (MANE Select); coding-DNA position 10067, T replaced by G.
Protein change: p.Leu3356Arg; replaces leucine 3356 with arginine.
Molecular consequence: missense variant.
Genome position (GRCh38, 1-based): chr16:88,437,537, T>G. VCF-style: chr16-88437537-T-G. GRCh37 (hg19) VCF-style: chr16-88503945-T-G.
Other names: short protein forms L3356R.
Identifiers: ClinVar variation 424106 (VCV000424106.1), dbSNP rs1064796800, ClinGen allele CA16620287.

ClinVar aggregate classification (germline): Likely pathogenic (1 of 4 stars; one submission).

Submission:

GeneDx
Classification: Likely pathogenic. Last evaluated: 2017-03-09. Review status: criteria provided, single submitter. Criteria: GeneDx Variant Classification (06012015). Collection method: clinical testing. Allele origin: germline. Affected: yes.
Comment: The L3328R variant in the ZNF469 gene has not been reported previously as a pathogenic variant, nor as a benign variant, to our knowledge. The L3328R variant is not observed in large population cohorts (Lek et al., 2016; 1000 Genomes Consortium et al., 2015; Exome Variant Server). The L3328R variant is a non-conservative amino acid substitution, which is likely to impact secondary protein structure as these residues differ in polarity, charge, size and/or other properties. This substitution occurs at a position that is conserved across species. Additionally, in silico analysis predicts this variant is probably damaging to the protein structure/function. The L3328R variant is a strong candidate for a pathogenic variant, however the possibility it may be a rare benign variant cannot be excluded.